The following is an entry in ClinVar:

NM_001278116.2(L1CAM):c.818C>T (p.Thr273Ile)

Gene: L1CAM (L1 cell adhesion molecule; minus strand). Cytogenetic location: Xq28.
Variant type: single nucleotide variant.
Coding change: c.818C>T on transcript NM_001278116.2 (MANE Select); coding-DNA position 818, C replaced by T.
Protein change: p.Thr273Ile; replaces threonine 273 with isoleucine.
Molecular consequence: missense variant.
Genome position (GRCh38, 1-based): chrX:153,870,229, G>A on the plus strand (C>T on the coding strand, the complement: L1CAM is on the minus strand). VCF-style: chrX-153870229-G-A. GRCh37 (hg19) VCF-style: chrX-153135684-G-A.
Other names: c.818C>T, p.Thr273Ile (NM_000425.5, NM_024003.3); c.803C>T, p.Thr268Ile (NM_001143963.2); short protein forms T268I, T273I.
Identifiers: ClinVar variation 4798187 (VCV004798187.1).

ClinVar aggregate classification (germline): Uncertain significance (1 of 4 stars; one submission).

Conditions:
Spastic paraplegia. Identifiers: MedGen C0037772, HP:0001258.

Submission:

Labcorp Genetics (formerly Invitae), Labcorp
Classification: Uncertain significance for Spastic paraplegia. Last evaluated: 2025-11-17. Review status: criteria provided, single submitter. Criteria: Invitae Variant Classification Sherloc (09022015). Collection method: clinical testing. Allele origin: germline.
Comment: This sequence change replaces threonine, which is neutral and polar, with isoleucine, which is neutral and non-polar, at codon 273 of the L1CAM protein (p.Thr273Ile). This variant is not present in population databases (gnomAD no frequency). This variant has not been reported in the literature in individuals affected with L1CAM-related conditions. Invitae Evidence Modeling of protein sequence and biophysical properties (such as structural, functional, and spatial information, amino acid conservation, physicochemical variation, residue mobility, and thermodynamic stability) indicates that this missense variant is not expected to disrupt L1CAM protein function with a negative predictive value of 95%. In summary, the available evidence is currently insufficient to determine the role of this variant in disease. Therefore, it has been classified as a Variant of Uncertain Significance.